The following is an entry in ClinVar:

NM_002591.4(PCK1):c.496G>A (p.Val166Met)

Gene: PCK1 (phosphoenolpyruvate carboxykinase 1; plus strand). Cytogenetic location: 20q13.31.
Variant type: single nucleotide variant.
Coding change: c.496G>A on transcript NM_002591.4 (MANE Select); coding-DNA position 496, G replaced by A.
Protein change: p.Val166Met; replaces valine 166 with methionine.
Molecular consequence: missense variant.
Genome position (GRCh38, 1-based): chr20:57,562,785, G>A. VCF-style: chr20-57562785-G-A. GRCh37 (hg19) VCF-style: chr20-56137841-G-A.
Other names: short protein forms V166M.
Identifiers: ClinVar variation 2069176 (VCV002069176.4), dbSNP rs368269624, ClinGen allele CA9922035.

ClinVar aggregate classification (germline): Uncertain significance (1 of 4 stars; one submission).

Allele frequency attached by ClinVar (database versions not stated): ESP Exome Variant Server 0.00008; ExAC 0.00003; gnomAD 0.00004; TOPMed 0.00005.
gnomAD v4.1: 80 of 1,613,918 alleles (0.005%); highest among the groups gnomAD compares: Non-Finnish European, 0.0059%; no homozygotes.

Submission:

Labcorp Genetics (formerly Invitae), Labcorp
Classification: Uncertain significance. Last evaluated: 2024-10-22. Review status: criteria provided, single submitter. Criteria: Invitae Variant Classification Sherloc (09022015). Collection method: clinical testing. Allele origin: germline.
Comment: This sequence change replaces valine, which is neutral and non-polar, with methionine, which is neutral and non-polar, at codon 166 of the PCK1 protein (p.Val166Met). This variant is present in population databases (rs368269624, gnomAD 0.005%). This variant has not been reported in the literature in individuals affected with PCK1-related conditions. ClinVar contains an entry for this variant (Variation ID: 2069176). Invitae Evidence Modeling of protein sequence and biophysical properties (such as structural, functional, and spatial information, amino acid conservation, physicochemical variation, residue mobility, and thermodynamic stability) indicates that this missense variant is expected to disrupt PCK1 protein function with a positive predictive value of 80%. In summary, the available evidence is currently insufficient to determine the role of this variant in disease. Therefore, it has been classified as a Variant of Uncertain Significance.